The following is an entry in ClinVar:

NM_005896.4(IDH1):c.87A>T (p.Lys29Asn)

Gene: IDH1 (isocitrate dehydrogenase (NADP(+)) 1; minus strand). Cytogenetic location: 2q34.
Variant type: single nucleotide variant.
Coding change: c.87A>T on transcript NM_005896.4 (MANE Select); coding-DNA position 87, A replaced by T.
Protein change: p.Lys29Asn; replaces lysine 29 with asparagine.
Molecular consequence: missense variant.
Genome position (GRCh38, 1-based): chr2:208,251,465, T>A on the plus strand (A>T on the coding strand, the complement: IDH1 is on the minus strand). VCF-style: chr2-208251465-T-A. GRCh37 (hg19) VCF-style: chr2-209116189-T-A.
Other names: c.87A>T, p.Lys29Asn (NM_001282386.1, NM_001282387.1); short protein forms K29N.
Identifiers: ClinVar variation 2587381 (VCV002587381.2), dbSNP rs2124868105, ClinGen allele CA350102915.
Genomic context (GRCh38, chr2:208,251,465, plus strand): 5'-CTACACGGAGGGGTAACTCATTTACCTATGTAGATCCAATTCCACGTAGGGAAAAATGAG[T>A]TTCTCTTTAATCAATTCCCAAATGATTCGTGTCATTTCATCTCCTTGCATCTCTACCACA-3'
Protein context (NP_005887.2, residues 19-39): TRIIWELIKE[Lys29Asn]LIFPYVELDL

ClinVar aggregate classification (germline): Uncertain significance (1 of 4 stars; one submission).

Submission:

Ambry Genetics
Classification: Uncertain significance. Last evaluated: 2023-08-09. Review status: criteria provided, single submitter. Criteria: Ambry Variant Classification Scheme 2023. Collection method: clinical testing. Allele origin: germline.
Comment: The p.K29N variant (also known as c.87A>T), located in coding exon 1 of the IDH1 gene, results from an A to T substitution at nucleotide position 87. The lysine at codon 29 is replaced by asparagine, an amino acid with similar properties. This amino acid position is conserved. In addition, the in silico prediction for this alteration is inconclusive. Since supporting evidence is limited at this time, the clinical significance of this alteration remains unclear.